The following is an entry in ClinVar:

ClinVar aggregate classification (germline): Likely pathogenic (1 of 4 stars; one submission).

Submission:

Labcorp Genetics (formerly Invitae), Labcorp
Classification: Likely pathogenic. Last evaluated: 2022-03-04. Review status: criteria provided, single submitter. Criteria: Invitae Variant Classification Sherloc (09022015). Collection method: clinical testing. Allele origin: germline.
Comment: In summary, the currently available evidence indicates that the variant is pathogenic, but additional data are needed to prove that conclusively. Therefore, this variant has been classified as Likely Pathogenic. Algorithms developed to predict the effect of sequence changes on RNA splicing suggest that this variant may disrupt the consensus splice site. This variant has not been reported in the literature in individuals affected with LRP2-related conditions. This variant is not present in population databases (gnomAD no frequency). This sequence change affects an acceptor splice site in intron 19 of the LRP2 gene. It is expected to disrupt RNA splicing. Variants that disrupt the donor or acceptor splice site typically lead to a loss of protein function (PMID: 16199547), and loss-of-function variants in LRP2 are known to be pathogenic (PMID: 17632512, 25682901).

Literature cited by the submitters: PubMed 16199547; PubMed 17632512; PubMed 25682901.

NM_004525.3(LRP2):c.2771-1G>A

Gene: LRP2 (LDL receptor related protein 2; minus strand). Cytogenetic location: 2q31.1.
Variant type: single nucleotide variant.
Coding change: c.2771-1G>A on transcript NM_004525.3 (MANE Select); the canonical splice acceptor site of the intron before coding-DNA position 2771, G replaced by A.
Molecular consequence: splice acceptor variant.
Genome position (GRCh38, 1-based): chr2:169,247,516, C>T on the plus strand (G>A on the coding strand, the complement: LRP2 is on the minus strand). VCF-style: chr2-169247516-C-T. GRCh37 (hg19) VCF-style: chr2-170104026-C-T.
Identifiers: ClinVar variation 2106883 (VCV002106883.4), dbSNP rs2528401900, ClinGen allele CA349154492.